The following is an entry in ClinVar:

NM_004168.4(SDHA):c.1664-8G>A

Gene: SDHA (succinate dehydrogenase complex flavoprotein subunit A; plus strand). Cytogenetic location: 5p15.33.
Variant type: single nucleotide variant.
Coding change: c.1664-8G>A on transcript NM_004168.4 (MANE Select); 8 bases into the intron before coding-DNA position 1664, G replaced by A.
Molecular consequence: intron variant.
Genome position (GRCh38, 1-based): chr5:251,330, G>A. VCF-style: chr5-251330-G-A. GRCh37 (hg19) VCF-style: chr5-251445-G-A.
Other names: p.?; c.1552-3063G>A (NM_001330758.2); c.1520-8G>A (NM_001294332.2).
Identifiers: ClinVar variation 130275 (VCV000130275.35), dbSNP rs199790689, ClinGen allele CA345541.
Genomic context (GRCh38, chr5:251,330, plus strand): 5'-GCTGACAGCTCGGAGGGCCCATGTGACTGGGTCCCGCCTGCCCCTGATGGAACTTTTTGT[G>A]TCCCCAGGAATGGTCTGGAACACGGACCTGGTGGAGACCCTGGAGCTGCAGAACCTGATG-3'

ClinVar aggregate classification (germline): Benign/Likely benign. Review status: criteria provided, multiple submitters, no conflicts (2 of 4 stars). 18 submissions from 16 submitters: Benign (11); Likely benign (3). 4 of the submissions do not count toward it. Last evaluated 2026-07-01.

Conditions:
SDHA-related disorder. Also called: SDHA-related disorders; SDHA-related condition.
Dilated cardiomyopathy 1GG (CMD1GG). Identifiers: Orphanet 154, MedGen C3150898, MONDO:0013339, OMIM 613642.
Mitochondrial complex II deficiency, nuclear type 1. Also called: SUCCINATE CoQ REDUCTASE DEFICIENCY. Identifiers: Orphanet 3208, MedGen C5700310, MONDO:0100294, OMIM 252011.
Neurodegeneration with ataxia and late-onset optic atrophy. Identifiers: MedGen C5543254, MONDO:0031006, OMIM 619259.
Pheochromocytoma/paraganglioma syndrome 5. Also called: Paragangliomas 5; SDHA-Related Hereditary Paraganglioma-Pheochromocytoma Syndrome. Identifiers: Orphanet 29072, MedGen C3279992, MONDO:0013602, OMIM 614165.
Hereditary pheochromocytoma and paraganglioma. Also called: Hereditary pheochromocytoma-paraganglioma; Hereditary Paraganglioma-Pheochromocytoma Syndromes; Hereditary paragangliomas and pheochromocytomas. Identifiers: Orphanet 29072, MedGen C4274332, MONDO:0017366.
Leigh syndrome (NULS). Also called: Leigh Syndrome (mtDNA deletion); Leigh's syndrome; Leigh's necrotizing encephalopathy; Leigh's disease; Leigh Disease; Subacute necrotizing encephalopathy. Identifiers: Orphanet 506, MedGen C2931891, MONDO:0009723, OMIM 256000.

Allele frequency attached by ClinVar (database versions not stated): gnomAD exomes 0.00339; ExAC 0.00444; ESP Exome Variant Server 0.01388; gnomAD 0.01440 and 0.01533; TOPMed 0.01573; 1000 Genomes Project 0.01797; 1000 Genomes Project 30x 0.01858.
gnomAD v4.1: 4,303 of 1,611,982 alleles (0.27%); highest among the groups gnomAD compares: African/African-American, 5%; 115 homozygotes.

Submissions (18):

CeGaT Center for Human Genetics Tuebingen
Classification: Benign. Last evaluated: 2026-07-01. Review status: criteria provided, single submitter. Criteria: CeGaT Center For Human Genetics Tuebingen Variant Classification Criteria Version 2. Collection method: clinical testing. Allele origin: germline. Affected: yes. Observed: 1 variant allele.
Comment: SDHA: BP4, BS1, BS2

Labcorp Genetics (formerly Invitae), Labcorp
Classification: Benign for Pheochromocytoma/paraganglioma syndrome 5; Mitochondrial complex II deficiency, nuclear type 1. Last evaluated: 2026-02-04. Review status: criteria provided, single submitter. Criteria: Invitae Variant Classification Sherloc (09022015). Collection method: clinical testing. Allele origin: germline.

Dasa
Classification: Benign. Last evaluated: 2025-12-19. Review status: criteria provided, single submitter. Criteria: DASA Assertion Criteria. Collection method: clinical testing. Allele origin: germline.
Comment: NM_004168.4(SDHA):c.1664-8G>A is a splice-region variant. Population frequency is inconsistent with a disease-causing role for this variant, and observations in unaffected individuals support a benign interpretation. Computational prediction algorithms are consistent with a benign effect. Therefore, based on the currently available evidence, this variant is classified as benign.

Quest Diagnostics Nichols Institute San Juan Capistrano
Classification: Benign. Last evaluated: 2025-06-27. Review status: criteria provided, single submitter. Criteria: Quest Diagnostics criteria. Collection method: clinical testing. Allele origin: unknown.

ARUP Laboratories, Molecular Genetics and Genomics, ARUP Laboratories
Classification: Benign. Last evaluated: 2025-05-01. Review status: criteria provided, single submitter. Criteria: ARUP Molecular Germline Variant Investigation Process 2024. Collection method: clinical testing. Allele origin: germline.

Myriad Genetics, Inc.
Classification: Likely benign for Pheochromocytoma/paraganglioma syndrome 5. Last evaluated: 2025-03-11. Review status: criteria provided, single submitter. Criteria: Myriad Autosomal Dominant, Autosomal Recessive and X-Linked Classification Criteria (2023). Collection method: clinical testing. Allele origin: unknown.
Comment: This variant is considered likely benign. This variant is intronic and is not expected to impact mRNA splicing.

KCCC/NGS Laboratory, Kuwait Cancer Control Center
Classification: Benign for Pheochromocytoma/paraganglioma syndrome 5. Last evaluated: 2023-07-07. Review status: criteria provided, single submitter. Criteria: ACMG Guidelines, 2015. Collection method: clinical testing. Allele origin: germline. Affected: yes.

Mayo Clinic Laboratories, Mayo Clinic
Classification: Benign. Last evaluated: 2022-03-23. Review status: criteria provided, single submitter. Criteria: ACMG Guidelines, 2015. Collection method: clinical testing. Allele origin: germline. Observed: 11 variant alleles.

Department of Pathology and Laboratory Medicine, Sinai Health System
Classification: Benign for Leigh syndrome. Last evaluated: 2021-10-13. Review status: criteria provided, single submitter. Criteria: ACMG Guidelines, 2015. Collection method: clinical testing. Allele origin: germline. Affected: yes.

Fulgent Genetics
Classification: Likely benign for Mitochondrial complex II deficiency, nuclear type 1; Dilated cardiomyopathy 1GG; Pheochromocytoma/paraganglioma syndrome 5; Neurodegeneration with ataxia and late-onset optic atrophy. Last evaluated: 2021-10-08. Review status: criteria provided, single submitter. Criteria: ACMG Guidelines, 2015. Collection method: clinical testing. Allele origin: unknown.

Illumina Laboratory Services, Illumina
Classification: Likely benign for Mitochondrial complex II deficiency, nuclear type 1. Last evaluated: 2018-01-13. Review status: criteria provided, single submitter. Criteria: ICSL Variant Classification Criteria 13 December 2019. Collection method: clinical testing. Allele origin: germline.
Comment: This variant was observed in the ICSL laboratory as part of a predisposition screen in an ostensibly healthy population. It had not been previously curated by ICSL or reported in the Human Gene Mutation Database (HGMD: prior to June 1st, 2018), and was therefore a candidate for classification through an automated scoring system. Utilizing variant allele frequency, disease prevalence and penetrance estimates, and inheritance mode, an automated score was calculated to assess if this variant is too frequent to cause the disease. Based on the score and internal cut-off values, a variant classified as likely benign is not then subjected to further curation. The score for this variant resulted in a classification of likely benign for this disease.

Illumina Laboratory Services, Illumina
Classification: Benign for Leigh syndrome. Last evaluated: 2018-01-13. Review status: criteria provided, single submitter. Criteria: ICSL Variant Classification Criteria 13 December 2019. Collection method: clinical testing. Allele origin: germline.
Comment: This variant was observed in the ICSL laboratory as part of a predisposition screen in an ostensibly healthy population. It had not been previously curated by ICSL or reported in the Human Gene Mutation Database (HGMD: prior to June 1st, 2018), and was therefore a candidate for classification through an automated scoring system. Utilizing variant allele frequency, disease prevalence and penetrance estimates, and inheritance mode, an automated score was calculated to assess if this variant is too frequent to cause the disease. Based on the score and internal cut-off values, a variant classified as benign is not then subjected to further curation. The score for this variant resulted in a classification of benign for this disease.

Illumina Laboratory Services, Illumina
Classification: Benign for Hereditary Paraganglioma-Pheochromocytoma Syndromes. Last evaluated: 2018-01-13. Review status: criteria provided, single submitter. Criteria: ICSL Variant Classification Criteria 13 December 2019. Collection method: clinical testing. Allele origin: germline.
Comment: the same text as in the submission from Illumina Laboratory Services, Illumina above.

GeneDx
Classification: Benign. Last evaluated: 2016-02-22. Review status: criteria provided, single submitter. Criteria: GeneDx Variant Classification (06012015). Collection method: clinical testing. Allele origin: germline. Affected: yes.
Comment: This variant is considered likely benign or benign based on one or more of the following criteria: it is a conservative change, it occurs at a poorly conserved position in the protein, it is predicted to be benign by multiple in silico algorithms, and/or has population frequency not consistent with disease.

PreventionGenetics, part of Exact Sciences
Classification: Benign for SDHA-related condition. Last evaluated: 2019-03-15. Review status: no assertion criteria provided. Collection method: clinical testing. Allele origin: germline. Not counted in ClinVar's aggregate classification.
Comment: This variant is classified as benign based on ACMG/AMP sequence variant interpretation guidelines (Richards et al. 2015 PMID: 25741868, with internal and published modifications).

Genetic Services Laboratory, University of Chicago
Classification: Likely benign for AllHighlyPenetrant. Review status: no assertion criteria provided. Collection method: clinical testing. Allele origin: germline. Not counted in ClinVar's aggregate classification.
Comment: Likely benign based on allele frequency in 1000 Genomes Project or ESP global frequency and its presence in a patient with a rare or unrelated disease phenotype. NOT Sanger confirmed.

Genome Diagnostics Laboratory, Amsterdam University Medical Center
Classification: Benign. Review status: no assertion criteria provided. Collection method: clinical testing. Allele origin: germline. Affected: yes. Study: VKGL Data-share Consensus. Not counted in ClinVar's aggregate classification.

Joint Genome Diagnostic Labs from Nijmegen and Maastricht, Radboudumc and MUMC+
Classification: Benign. Review status: no assertion criteria provided. Collection method: clinical testing. Allele origin: germline. Affected: yes. Study: VKGL Data-share Consensus. Not counted in ClinVar's aggregate classification.